The following is an entry in ClinVar:

NM_000138.5(FBN1):c.2088C>A (p.Cys696Ter)

Gene: FBN1 (fibrillin 1; minus strand). Cytogenetic location: 15q21.1.
Variant type: single nucleotide variant.
Coding change: c.2088C>A on transcript NM_000138.5 (MANE Select); coding-DNA position 2088, C replaced by A.
Protein change: p.Cys696Ter; replaces cysteine 696 with a stop codon.
Molecular consequence: nonsense.
Genome position (GRCh38, 1-based): chr15:48,503,812, G>T on the plus strand (C>A on the coding strand, the complement: FBN1 is on the minus strand). VCF-style: chr15-48503812-G-T. GRCh37 (hg19) VCF-style: chr15-48796009-G-T.
Other names: short protein forms C696*.
Identifiers: ClinVar variation 1459754 (VCV001459754.6), dbSNP rs2141315709, ClinGen allele CA392338041.
Genomic context (GRCh38, chr15:48,503,812, plus strand): 5'-TGGCAGTACGAGGGCATCTCCATGATACCACATACCTGAATTCTGTGCAGGACACGGCTG[G>T]CAAGGTTCCCCAAATGCATACTCAGTGCTGGCGCAACAGCATTCAGATTTAGTGACAGCA-3'

ClinVar aggregate classification (germline): Pathogenic (1 of 4 stars; one submission).

Conditions:
Marfan syndrome (MFS). Also called: MARFAN SYNDROME, TYPE I; Marfan syndrome type 1; Marfan's syndrome; Marfan syndrome, classic; FBN1-Related Marfan Syndrome. Identifiers: Orphanet 284963, Orphanet 558, MedGen C0024796, MONDO:0007947, OMIM 154700.
Familial thoracic aortic aneurysm and aortic dissection (TAAD). Also called: Thoracic aortic aneurysms and dissections. Identifiers: Orphanet 91387, MedGen C4707243, MONDO:0019625.

Submission:

Labcorp Genetics (formerly Invitae), Labcorp
Classification: Pathogenic for Marfan syndrome; Familial thoracic aortic aneurysm and aortic dissection. Last evaluated: 2021-08-14. Review status: criteria provided, single submitter. Criteria: Invitae Variant Classification Sherloc (09022015). Collection method: clinical testing. Allele origin: germline.
Comment: This sequence change creates a premature translational stop signal (p.Cys696*) in the FBN1 gene. It is expected to result in an absent or disrupted protein product. Loss-of-function variants in FBN1 are known to be pathogenic (PMID: 17657824, 19293843). This variant is not present in population databases (ExAC no frequency). This premature translational stop signal has been observed in individual(s) with Shprintzen-Goldberg syndrome (PMID: 19293843). For these reasons, this variant has been classified as Pathogenic.

Literature cited by the submitters: PubMed 17657824; PubMed 19293843.